The following is an entry in ClinVar:

ClinVar aggregate classification (germline): Uncertain significance. Review status: criteria provided, multiple submitters, no conflicts (2 of 4 stars). 2 submissions from 2 submitters: Uncertain significance (2). Last evaluated 2020-02-22.

Submissions (2):

Labcorp Genetics (formerly Invitae), Labcorp
Classification: Uncertain significance. Last evaluated: 2020-02-22. Review status: criteria provided, single submitter. Criteria: Invitae Variant Classification Sherloc (09022015). Collection method: clinical testing. Allele origin: germline.
Comment: This sequence change replaces tryptophan with serine at codon 45 of the KCNJ13 protein (p.Trp45Ser). The tryptophan residue is highly conserved and there is a large physicochemical difference between tryptophan and serine. This variant is not present in population databases (ExAC no frequency). This variant has not been reported in the literature in individuals with KCNJ13-related conditions. Algorithms developed to predict the effect of missense changes on protein structure and function are either unavailable or do not agree on the potential impact of this missense change (SIFT: "Deleterious"; PolyPhen-2: "Probably Damaging"; Align-GVGD: "Class C15"). In summary, the available evidence is currently insufficient to determine the role of this variant in disease. Therefore, it has been classified as a Variant of Uncertain Significance.

Blueprint Genetics
Classification: Uncertain significance. Last evaluated: 2019-08-21. Review status: criteria provided, single submitter. Criteria: ACMG Guidelines, 2015. Collection method: clinical testing. Allele origin: germline.

NM_002242.4(KCNJ13):c.134G>C (p.Trp45Ser)

Genes: GIGYF2 (GRB10 interacting GYF protein 2; plus strand), KCNJ13 (potassium inwardly rectifying channel subfamily J member 13; minus strand). Cytogenetic location: 2q37.1.
Variant type: single nucleotide variant.
Coding change: c.134G>C on transcript NM_002242.4 (MANE Select); coding-DNA position 134, G replaced by C.
Protein change: p.Trp45Ser; replaces tryptophan 45 with serine.
Molecular consequence: missense variant. On other transcripts: intron variant (5).
Genome position (GRCh38, 1-based): chr2:232,771,229, C>G on the plus strand (G>C on the coding strand, the complement: KCNJ13 is on the minus strand). VCF-style: chr2-232771229-C-G. GRCh37 (hg19) VCF-style: chr2-233635939-C-G.
Other names: c.134G>C, p.Trp45Ser (NM_001172416.1); c.532+9793C>G (NM_001103146.3, NM_015575.4, NM_001103148.2); c.533-5183C>G (NM_001103147.2); c.-23-84G>C (NM_001172417.1); short protein forms W45S.
Identifiers: ClinVar variation 862315 (VCV000862315.10), dbSNP rs1699232907, ClinGen allele CA351014149.